The following is an entry in ClinVar:

ClinVar aggregate classification (germline): Uncertain significance (1 of 4 stars; one submission).

Conditions:
Fanconi-Bickel syndrome (FBS). Also called: HEPATIC GLYCOGENOSIS WITH AMINO ACIDURIA AND GLUCOSURIA; HEPATIC GLYCOGENOSIS WITH FANCONI NEPHROPATHY; HEPATORENAL GLYCOGENOSIS WITH RENAL FANCONI SYNDROME; PSEUDO-PHLORIZIN DIABETES; FANCONI SYNDROME WITH INTESTINAL MALABSORPTION AND GALACTOSE INTOLERANCE; Glycogen storage disease due to GLUT2 deficiency. Identifiers: Orphanet 2088, MedGen C3495427, MONDO:0009216, OMIM 227810.

Allele frequency attached by ClinVar (database versions not stated): TOPMed below 0.00001; gnomAD 0.00001; gnomAD exomes 0.00001.
gnomAD v4.1: 5 of 1,613,462 alleles (0.00031%); highest among the groups gnomAD compares: East Asian, 0.0067%; no homozygotes.

Submission:

Labcorp Genetics (formerly Invitae), Labcorp
Classification: Uncertain significance for Fanconi-Bickel syndrome. Last evaluated: 2021-08-27. Review status: criteria provided, single submitter. Criteria: Invitae Variant Classification Sherloc (09022015). Collection method: clinical testing. Allele origin: germline.
Comment: This sequence change replaces proline with histidine at codon 463 of the SLC2A2 protein (p.Pro463His). The proline residue is moderately conserved and there is a moderate physicochemical difference between proline and histidine. This variant is not present in population databases (ExAC no frequency). This variant has not been reported in the literature in individuals affected with SLC2A2-related conditions. Algorithms developed to predict the effect of missense changes on protein structure and function are either unavailable or do not agree on the potential impact of this missense change (SIFT: "Tolerated"; PolyPhen-2: "Probably Damaging"; Align-GVGD: "Class C0"). In summary, the available evidence is currently insufficient to determine the role of this variant in disease. Therefore, it has been classified as a Variant of Uncertain Significance.

NM_000340.2(SLC2A2):c.1388C>A (p.Pro463His)

Gene: SLC2A2 (solute carrier family 2 member 2; minus strand). Cytogenetic location: 3q26.2.
Variant type: single nucleotide variant.
Coding change: c.1388C>A on transcript NM_000340.2 (MANE Select); coding-DNA position 1388, C replaced by A.
Protein change: p.Pro463His; replaces proline 463 with histidine.
Molecular consequence: missense variant.
Genome position (GRCh38, 1-based): chr3:170,998,090, G>T on the plus strand (C>A on the coding strand, the complement: SLC2A2 is on the minus strand). VCF-style: chr3-170998090-G-T. GRCh37 (hg19) VCF-style: chr3-170715879-G-T.
Other names: c.1031C>A, p.Pro344His (NM_001278658.2); c.869C>A, p.Pro290His (NM_001278659.2); short protein forms P290H, P344H, P463H.
Identifiers: ClinVar variation 1005473 (VCV001005473.6), dbSNP rs1272353608, ClinGen allele CA355485053.
Genomic context (GRCh38, chr3:170,998,090, plus strand): 5'-TTAAAAAATGTGAACAGGGTAAAGGCCAGGAGCACTCCAGCAAAGAGGAAAAACACATAA[G>T]GTCCACAGAAGTCCTGGATAGAAAGCAAACACAGACTTTGAGTTAGCAGTTTTTTGACCC-3'
Protein context (NP_000331.1, residues 453-473): CFQYIADFCG[Pro463His]YVFFLFAGVL